The following is an entry in ClinVar:

NM_001267550.2(TTN):c.83630G>T (p.Arg27877Leu)

Genes: TTN (titin; minus strand), TTN-AS1 (TTN antisense RNA 1; plus strand). Cytogenetic location: 2q31.2.
Variant type: single nucleotide variant.
Coding change: c.83630G>T on transcript NM_001267550.2 (MANE Select); coding-DNA position 83630, G replaced by T.
Protein change: p.Arg27877Leu; replaces arginine 27877 with leucine.
Molecular consequence: missense variant.
Genome position (GRCh38, 1-based): chr2:178,562,502, C>A on the plus strand (G>T on the coding strand, the complement: TTN is on the minus strand). VCF-style: chr2-178562502-C-A. GRCh37 (hg19) VCF-style: chr2-179427229-C-A.
Other names: c.78707G>T, p.Arg26236Leu (NM_001256850.1); c.56435G>T, p.Arg18812Leu (NM_003319.4); c.75926G>T, p.Arg25309Leu (NM_133378.4); c.56810G>T, p.Arg18937Leu (NM_133432.3); c.57011G>T, p.Arg19004Leu (NM_133437.4); short protein forms R18937L, R26236L, R27877L, R18812L, R19004L, R25309L.
Identifiers: ClinVar variation 668580 (VCV000668580.1), dbSNP rs371345921, ClinGen allele CA349566928.

ClinVar aggregate classification (germline): Likely benign (1 of 4 stars; one submission).

gnomAD v4.1: 30 of 1,612,468 alleles (0.0019%); highest among the groups gnomAD compares: Non-Finnish European, 0.0025%; no homozygotes.

Submission:

GeneDx
Classification: Likely benign. Last evaluated: 2018-05-17. Review status: criteria provided, single submitter. Criteria: GeneDx Variant Classification (06012015). Collection method: clinical testing. Allele origin: germline. Affected: yes.
Comment: This variant is considered likely benign or benign based on one or more of the following criteria: it is a conservative change, it occurs at a poorly conserved position in the protein, it is predicted to be benign by multiple in silico algorithms, and/or has population frequency not consistent with disease.